The following continues an entry in ClinVar:

NM_000540.3(RYR1):c.325C>T (p.Arg109Trp)

Gene: RYR1. ClinVar aggregate classification (germline): Conflicting classifications of pathogenicity. Pathogenic (11); Likely pathogenic (5); Uncertain significance (2).

Submissions 11 to 21 of 21:

Clinical Genetics Laboratory, Skane University Hospital Lund
Classification: Pathogenic. Last evaluated: 2023-10-03. Review status: criteria provided, single submitter. Criteria: ACMG Guidelines, 2015. Collection method: clinical testing. Allele origin: germline. Affected: yes.

GeneDx
Classification: Pathogenic. Last evaluated: 2022-09-27. Review status: criteria provided, single submitter. Criteria: GeneDx Variant Classification Process June 2021. Collection method: clinical testing. Allele origin: germline. Affected: yes.
Comment: Published functional studies demonstrate a damaging effect: R109W expressed in the homozygous state results in complete loss of calcium conductance (Zhou et al., 2006); Not observed at significant frequency in large population cohorts (gnomAD); In silico analysis supports that this missense variant has a deleterious effect on protein structure/function; This variant is associated with the following publications: (PMID: 29298851, 23553787, 17483490, 17365175, 18171678, 27858727, 28818389, 28357410, 16380615, 30155738, 30611313, 31127727, 33646172, 33646171, 32381029, 17033962, 34463354, 31589614, 32528171, 35361824, 27535533, 23826317, 24195946, 28547000, 22473935, 27855725, 23069638, 16084090, 33333461, 33726816, 16940308)

Genetics and Molecular Pathology, SA Pathology
Classification: Likely pathogenic for Central core myopathy. Last evaluated: 2022-04-08. Review status: criteria provided, single submitter. Criteria: ACMG Guidelines, 2015. Collection method: clinical testing. Allele origin: germline. Affected: yes.

AiLife Diagnostics
Classification: Likely pathogenic. Last evaluated: 2021-05-26. Review status: criteria provided, single submitter. Criteria: ACMG Guidelines, 2015. Collection method: clinical testing. Allele origin: germline. Affected: yes. Observed: 1 variant allele.

Centre for Mendelian Genomics, University Medical Centre Ljubljana
Classification: Likely pathogenic for Congenital myopathy 4A, autosomal dominant. Last evaluated: 2019-11-19. Review status: criteria provided, single submitter. Criteria: ACMG Guidelines, 2015. Collection method: clinical testing. Allele origin: unknown. Affected: yes.
Comment: This variant was classified as: Likely pathogenic. The following ACMG criteria were applied in classifying this variant: PS1,PM2,PP3.

CeGaT Center for Human Genetics Tuebingen
Classification: Pathogenic. Last evaluated: 2019-09-01. Review status: criteria provided, single submitter. Criteria: CeGaT Center For Human Genetics Tuebingen Variant Classification Criteria Version 2. Collection method: clinical testing. Allele origin: germline. Affected: yes. Observed: 2 variant alleles.

Clinical Genetics and Genomics, Karolinska University Hospital
Classification: Likely pathogenic. Last evaluated: 2017-01-03. Review status: criteria provided, single submitter. Criteria: ACMG Guidelines, 2015. Collection method: clinical testing. Allele origin: germline. Affected: yes. Observed: 1 variant allele.

Genetic Services Laboratory, University of Chicago
Classification: Likely pathogenic. Last evaluated: 2013-11-07. Review status: criteria provided, single submitter. Criteria: ACMG Guidelines, 2007. Collection method: clinical testing. Allele origin: germline. Inheritance: Autosomal unknown. Affected: yes.

OMIM
Classification: Pathogenic for CONGENITAL MYOPATHY 1B, AUTOSOMAL RECESSIVE. Last evaluated: 2012-06-01. Review status: no assertion criteria provided. Collection method: literature only. Allele origin: germline. Not counted in ClinVar's aggregate classification.

RYR1 database
No classification provided. Review status: no classification provided. Collection method: not provided. Allele origin: unknown. Not counted in ClinVar's aggregate classification.

All of Us Research Program, National Institutes of Health
Classification: Uncertain significance for Malignant hyperthermia, susceptibility to, 1. Last evaluated: 2024-09-27. Review status: flagged submission. Criteria: ACMG Guidelines, 2015. Collection method: clinical testing. Allele origin: germline. Inheritance: Autosomal dominant inheritance. Observed: 11 variant alleles, 11 heterozygotes. Not counted in ClinVar's aggregate classification.
Comment: This pathogenicity assessment is for autosomal dominant malignant hyperthermia susceptibility phenotype. This missense variant replaces arginine with tryptophan at codon 109 of the RYR1 protein. Computational prediction suggests that this variant may have deleterious impact on protein structure and function (internally defined REVEL score threshold >= 0.7, PMID: 27666373). To our knowledge, functional studies have not been reported for this variant. This variant has not been reported in individuals affected with malignant hyperthermia susceptibility. This variant has been reported to segregate with autosomal recessive congenital myopathy in several families and has been reported in multiple unrelated individuals affected with congenital myopathy (PMID: 16940308, 23826317, 28357410, 22473935). This variant has been identified in 22/282604 chromosomes in the general population by the Genome Aggregation Database (gnomAD). The available evidence is insufficient to determine the role of this variant in disease conclusively. Therefore, this variant is classified as a Variant of Uncertain Significance.

This study involves interpretation of variants in research participants for the purpose of population health screening. Participant phenotype was not available at the time of variant classification. Additional details can be found in publication PMID: 35346344, PMCID: PMC8962531
ClinVar note: Reason: Unnecessary conflicting claim for distinct condition when other classifications are more relevant

Literature cited by the submitters: PubMed 23826317 (cited by 3 submitters); PubMed 28357410 (cited by Labcorp Genetics (formerly Invitae), Labcorp and All of Us Research Program, National Institutes of Health); PubMed 18171678 (cited by Labcorp Genetics (formerly Invitae), Labcorp); DOI 10.1212/01.wnl.0000188870.37076.f2 (cited by Department of Pathophysiology and Transplantation, IRCCS Foundation Ca' Granda Ospedale Maggiore Policlinico); DOI 10.1016/j.pediatrneurol.2020.11.002 (cited by Department of Pathophysiology and Transplantation, IRCCS Foundation Ca' Granda Ospedale Maggiore Policlinico); PubMed 16940308 (cited by 3 submitters); DOI 10.1186/s13073-024-01353-0 (cited by Muscle and Diseases Team, Institut de Génétique et Biologie Moléculaire et Cellulaire); PubMed 28818389 (cited by Muscle and Diseases Team, Institut de Génétique et Biologie Moléculaire et Cellulaire and AiLife Diagnostics); PubMed 30611313 (cited by AiLife Diagnostics); PubMed 29298851 (cited by AiLife Diagnostics); PubMed 33333461 (cited by AiLife Diagnostics); PubMed 32528171 (cited by AiLife Diagnostics); PubMed 31127727 (cited by AiLife Diagnostics); PubMed 17033962 (cited by AiLife Diagnostics); PubMed 23553787 (cited by AiLife Diagnostics); PubMed 16380615 (cited by OMIM); PubMed 22473935 (cited by OMIM and All of Us Research Program, National Institutes of Health).